The following is an entry in ClinVar:

NM_001271.4(CHD2):c.2727G>C (p.Gln909His)

Gene: CHD2 (chromodomain helicase DNA binding protein 2; plus strand). Cytogenetic location: 15q26.1.
Variant type: single nucleotide variant.
Coding change: c.2727G>C on transcript NM_001271.4 (MANE Select); coding-DNA position 2727, G replaced by C.
Protein change: p.Gln909His; replaces glutamine 909 with histidine.
Molecular consequence: missense variant.
Genome position (GRCh38, 1-based): chr15:92,978,383, G>C. VCF-style: chr15-92978383-G-C. GRCh37 (hg19) VCF-style: chr15-93521613-G-C.
Other names: short protein forms Q909H.
Identifiers: ClinVar variation 4073535 (VCV004073535.1).

ClinVar aggregate classification (germline): Likely pathogenic (1 of 4 stars; one submission).

Conditions:
Epilepsy with myoclonic atonic seizures. Also called: Myoclonic atonic seizures; Generalized myoclonic-atonic seizure. Identifiers: Orphanet 1942, MedGen C0393702, MONDO:0014633, OMIM 616421, HP:0011170.

Submission:

Unidad de Genómica Garrahan, Hospital de Pediatría Garrahan
Classification: Likely pathogenic for Epilepsy with myoclonic atonic seizures. Last evaluated: 2025-08-05. Review status: criteria provided, single submitter. Criteria: ACMG Guidelines, 2015. Collection method: clinical testing. Allele origin: germline. Affected: yes.
Comment: This variant is not present in gnomAD population databases (PM2_sup). Computational prediction tools support a deleterious effect on the gene and indicate that the variant may alter normal splicing (PP3_vs). Variant is located in a mutational hotspot (PM1_mod).